The following is an entry in ClinVar:

ClinVar aggregate classification (germline): Benign. Review status: criteria provided, multiple submitters, no conflicts (2 of 4 stars). 4 submissions from 4 submitters: Benign (3). 1 of the submissions does not count toward it. Last evaluated 2026-01-18.

Conditions:
IGSF10-related disorder. Also called: IGSF10-related condition.

Allele frequency attached by ClinVar (database versions not stated): TOPMed 0.00478; 1000 Genomes Project 30x 0.00531; gnomAD 0.00538 and 0.00565; 1000 Genomes Project 0.00539; ESP Exome Variant Server 0.00577; gnomAD exomes 0.00632 and 0.00825; ExAC 0.00684.
gnomAD v4.1: 12,848 of 1,614,176 alleles (0.8%); highest among the groups gnomAD compares: South Asian, 1.2%; 64 homozygotes.

Submissions (4):

Labcorp Genetics (formerly Invitae), Labcorp
Classification: Benign. Last evaluated: 2026-01-18. Review status: criteria provided, single submitter. Criteria: Invitae Variant Classification Sherloc (09022015). Collection method: clinical testing. Allele origin: germline.

CeGaT Center for Human Genetics Tuebingen
Classification: Benign. Last evaluated: 2024-07-01. Review status: criteria provided, single submitter. Criteria: CeGaT Center For Human Genetics Tuebingen Variant Classification Criteria Version 2. Collection method: clinical testing. Allele origin: germline. Affected: yes. Observed: 2 variant alleles.
Comment: IGSF10: BP4, BP7, BS1, BS2

Breakthrough Genomics
Classification: Benign. Review status: criteria provided, single submitter. Criteria: ACMG Guidelines, 2015. Collection method: not provided. Allele origin: germline. Inheritance: Unknown mechanism. Affected: yes.

PreventionGenetics, part of Exact Sciences
Classification: Likely benign for IGSF10-related condition. Last evaluated: 2019-02-20. Review status: no assertion criteria provided. Collection method: clinical testing. Allele origin: germline. Not counted in ClinVar's aggregate classification.
Comment: This variant is classified as likely benign based on ACMG/AMP sequence variant interpretation guidelines (Richards et al. 2015 PMID: 25741868, with internal and published modifications).

NM_178822.5(IGSF10):c.7305T>C (p.Leu2435=)

Gene: IGSF10 (immunoglobulin superfamily member 10; minus strand). Cytogenetic location: 3q25.1.
Variant type: single nucleotide variant.
Coding change: c.7305T>C on transcript NM_178822.5 (MANE Select); coding-DNA position 7305, T replaced by C.
Protein change: p.Leu2435=; no amino-acid change (leucine 2435 retained).
Molecular consequence: synonymous variant.
Genome position (GRCh38, 1-based): chr3:151,437,256, A>G on the plus strand (T>C on the coding strand, the complement: IGSF10 is on the minus strand). VCF-style: chr3-151437256-A-G. GRCh37 (hg19) VCF-style: chr3-151155044-A-G.
Other names: c.1242T>C, p.Leu414= (NM_001178145.3, NM_001178146.3); c.7305T>C, p.Leu2435= (NM_001385060.1, NM_001385061.1, NM_001385062.1 and 1 more transcripts).
Identifiers: ClinVar variation 787612 (VCV000787612.35), dbSNP rs112300737, ClinGen allele CA2669311.